The following is an entry in ClinVar:

ClinVar aggregate classification (germline): Uncertain significance (1 of 4 stars; one submission).

Conditions:
Hereditary cancer-predisposing syndrome. Also called: Neoplastic Syndromes, Hereditary; Tumor predisposition; Hereditary neoplastic syndrome; Hereditary Cancer Syndrome. Identifiers: Orphanet 140162, MedGen C0027672, MeSH D009386, MONDO:0015356.

Submission:

Ambry Genetics
Classification: Uncertain significance for Hereditary cancer-predisposing syndrome. Last evaluated: 2026-07-17. Review status: criteria provided, single submitter. Criteria: Ambry Variant Classification Scheme 2023. Collection method: clinical testing. Allele origin: germline.
Comment: The c.4133delC variant, located in coding exon 23 of the PTCH1 gene, results from a deletion of one nucleotide at nucleotide position 4133, causing a translational frameshift with a predicted alternate stop codon (p.T1378Mfs*74). This variant occurs at the 3' terminus of the gene, is not expected to trigger nonsense-mediated mRNAdecay and results in the elongation of the protein by 3 amino acids. This frameshift impacts the last 4.8% of the native protein. The exact functional effect of the altered amino acids is unknown. Based on the available evidence, the clinical significance of this variant remains unclear.

NM_000264.5(PTCH1):c.4133del (p.Thr1378fs)

Gene: PTCH1 (patched 1; minus strand). Cytogenetic location: 9q22.32.
Variant type: Deletion.
Coding change: c.4133del on transcript NM_000264.5 (MANE Select); coding-DNA position 4133, one base deleted (C; older notation c.4133delC).
Protein change: p.Thr1378fs; shifts the reading frame from threonine 1378.
Molecular consequence: frameshift variant. On other transcripts: non-coding transcript variant (1).
Genome position (GRCh38, 1-based): chr9:95,447,123, G deleted on the plus strand (C on the coding strand, the reverse complement: PTCH1 is on the minus strand). VCF-style (leftmost placement, unchanged base first): chr9-95447122-AG-A. GRCh37 (hg19) VCF-style: chr9-98209404-AG-A.
Other names: c.3680del, p.Thr1227fs (NM_001083607.3, NM_001083604.3, NM_001083605.3 and 1 more transcripts); c.3977del, p.Thr1326fs (NM_001354918.2); c.3935del, p.Thr1312fs (NM_001083602.3); c.4130del, p.Thr1377fs (NM_001083603.3); short protein forms T1227fs, T1377fs, T1378fs, T1326fs, T1312fs.
Identifiers: ClinVar variation 5027457 (VCV005027457.1).
Genomic context (GRCh38, chr9:95,447,122, plus strand): 5'-GCAGAGTCCCCCTCGGGGGTTCCGCCCAGGCCCAGGGACAGGCGGCGGGTGCACGGCGAC[AG>A]TCACGGAGGCAGAAGCCGTCACAGTGGTGATGGGCTGGCAGTAGCCGGGCACGGAGCTGC-3'